The following is an entry in ClinVar:

NM_020831.6(MRTFA):c.1735A>T (p.Met579Leu)

Gene: MRTFA (myocardin related transcription factor A; minus strand). Cytogenetic location: 22q13.1.
Variant type: single nucleotide variant.
Coding change: c.1735A>T on transcript NM_020831.6 (MANE Select); coding-DNA position 1735, A replaced by T.
Protein change: p.Met579Leu; replaces methionine 579 with leucine.
Molecular consequence: missense variant.
Genome position (GRCh38, 1-based): chr22:40,419,003, T>A on the plus strand (A>T on the coding strand, the complement: MRTFA is on the minus strand). VCF-style: chr22-40419003-T-A. GRCh37 (hg19) VCF-style: chr22-40815007-T-A.
Other names: c.1435A>T, p.Met479Leu (NM_001282660.2); c.1585A>T, p.Met529Leu (NM_001282661.3); c.1735A>T, p.Met579Leu (NM_001282662.3); c.1540A>T, p.Met514Leu (NM_001318139.2); short protein forms M479L, M514L, M529L, M579L.
Identifiers: ClinVar variation 1683047 (VCV001683047.8), dbSNP rs779945490, ClinGen allele CA10249568.

ClinVar aggregate classification (germline): Uncertain significance (1 of 4 stars; one submission).

Allele frequency attached by ClinVar (database versions not stated): gnomAD 0.00001 and 0.00003; ExAC 0.00003; gnomAD exomes 0.00004 and 0.00005.
gnomAD v4.1: 76 of 1,612,628 alleles (0.0047%); highest among the groups gnomAD compares: East Asian, 0.17%; no homozygotes.

Submission:

Labcorp Genetics (formerly Invitae), Labcorp
Classification: Uncertain significance. Last evaluated: 2023-04-24. Review status: criteria provided, single submitter. Criteria: Invitae Variant Classification Sherloc (09022015). Collection method: clinical testing. Allele origin: germline.
Comment: In summary, the available evidence is currently insufficient to determine the role of this variant in disease. Therefore, it has been classified as a Variant of Uncertain Significance. An algorithm developed to predict the effect of missense changes on protein structure and function (PolyPhen-2) suggests that this variant is likely to be disruptive. ClinVar contains an entry for this variant (Variation ID: 1683047). This variant has not been reported in the literature in individuals affected with MKL1-related conditions. This variant is present in population databases (rs779945490, gnomAD 0.06%). This sequence change replaces methionine, which is neutral and non-polar, with leucine, which is neutral and non-polar, at codon 479 of the MKL1 protein (p.Met479Leu).